The following is an entry in ClinVar:

NM_005660.3(SLC35A2):c.176C>T (p.Thr59Met)

Gene: SLC35A2 (solute carrier family 35 member A2; minus strand). Cytogenetic location: Xp11.23.
Variant type: single nucleotide variant.
Coding change: c.176C>T on transcript NM_005660.3 (MANE Select); coding-DNA position 176, C replaced by T.
Protein change: p.Thr59Met; replaces threonine 59 with methionine.
Molecular consequence: missense variant. On other transcripts: intron variant (1).
Genome position (GRCh38, 1-based): chrX:48,909,912, G>A on the plus strand (C>T on the coding strand, the complement: SLC35A2 is on the minus strand). VCF-style: chrX-48909912-G-A. GRCh37 (hg19) VCF-style: chrX-48767189-G-A.
Other names: c.176C>T, p.Thr59Met (NM_001032289.3, NM_001042498.3, NM_001282647.2); c.104C>T, p.Thr35Met (NM_001282648.2); c.215C>T, p.Thr72Met (NM_001282650.2); c.260C>T, p.Thr87Met (NM_001282651.2); c.91+1634C>T (NM_001282649.2); short protein forms T35M, T59M, T72M, T87M.
Identifiers: ClinVar variation 1358183 (VCV001358183.7), dbSNP rs782218448, ClinGen allele CA10406184.

ClinVar aggregate classification (germline): Uncertain significance. Review status: criteria provided, multiple submitters, no conflicts (2 of 4 stars). 2 submissions from 2 submitters: Uncertain significance (2). Last evaluated 2026-05-06.

Conditions:
SLC35A2-congenital disorder of glycosylation. Also called: EPILEPTIC ENCEPHALOPATHY, EARLY INFANTILE, 22; CONGENITAL DISORDER OF GLYCOSYLATION, TYPE IIm; CDG IIm; CONGENITAL DISORDER OF GLYCOSYLATION, TYPE IIm, SOMATIC MOSAIC; DEVELOPMENTAL AND EPILEPTIC ENCEPHALOPATHY 22; SLC35A2-CDG. Identifiers: Orphanet 356961, MedGen C3806688, MONDO:0010478, OMIM 300896.

Allele frequency attached by ClinVar (database versions not stated): ExAC 0.00001; TOPMed 0.00001; gnomAD exomes 0.00005 and 0.00001; gnomAD 0.00001.
gnomAD v4.1: 55 of 1,209,036 alleles (0.0045%); highest among the groups gnomAD compares: Non-Finnish European, 0.0061%; no homozygotes.

Submissions (2):

Women's Health and Genetics/Laboratory Corporation of America, LabCorp
Classification: Uncertain significance. Last evaluated: 2026-05-06. Review status: criteria provided, single submitter. Criteria: LabCorp Variant Classification Summary - May 2015. Collection method: clinical testing. Allele origin: germline.
Comment: Variant summary: SLC35A2 c.176C>T (p.Thr59Met) results in a non-conservative amino acid change in the encoded protein sequence. Algorithms developed to predict the effect of missense changes on protein structure and function are either unavailable or do not agree on the potential impact of this missense change. The variant allele was found at a frequency of 1.1e-05 in 178287 control chromosomes. The available data on variant occurrences in the general population are insufficient to allow any conclusion about variant significance. To our knowledge, no occurrence of c.176C>T in individuals affected with SLC35A2-related conditions and no experimental evidence demonstrating its impact on protein function have been reported. ClinVar contains an entry for this variant (Variation ID: 1358183). Based on the evidence outlined above, the variant was classified as uncertain significance.

Labcorp Genetics (formerly Invitae), Labcorp
Classification: Uncertain significance for SLC35A2-congenital disorder of glycosylation. Last evaluated: 2023-06-25. Review status: criteria provided, single submitter. Criteria: Invitae Variant Classification Sherloc (09022015). Collection method: clinical testing. Allele origin: germline.
Comment: In summary, the available evidence is currently insufficient to determine the role of this variant in disease. Therefore, it has been classified as a Variant of Uncertain Significance. Advanced modeling of protein sequence and biophysical properties (such as structural, functional, and spatial information, amino acid conservation, physicochemical variation, residue mobility, and thermodynamic stability) has been performed at Invitae for this missense variant, however the output from this modeling did not meet the statistical confidence thresholds required to predict the impact of this variant on SLC35A2 protein function. ClinVar contains an entry for this variant (Variation ID: 1358183). This variant has not been reported in the literature in individuals affected with SLC35A2-related conditions. The frequency data for this variant in the population databases is considered unreliable, as metrics indicate poor data quality at this position in the gnomAD database. This sequence change replaces threonine, which is neutral and polar, with methionine, which is neutral and non-polar, at codon 59 of the SLC35A2 protein (p.Thr59Met).